The following is an entry in ClinVar:

NM_007289.4(MME):c.68G>A (p.Arg23Gln)

Gene: MME (membrane metalloendopeptidase; plus strand). Cytogenetic location: 3q25.2.
Variant type: single nucleotide variant.
Coding change: c.68G>A on transcript NM_007289.4 (MANE Select); coding-DNA position 68, G replaced by A.
Protein change: p.Arg23Gln; replaces arginine 23 with glutamine.
Molecular consequence: missense variant.
Genome position (GRCh38, 1-based): chr3:155,084,235, G>A. VCF-style: chr3-155084235-G-A. GRCh37 (hg19) VCF-style: chr3-154802024-G-A.
Other names: p.Arg23Gln; c.68G>A (NM_007289.3); c.68G>A, p.Arg23Gln (NM_000902.5, NM_001354642.2, NM_001354643.1 and 3 more transcripts); short protein forms R23Q.
Identifiers: ClinVar variation 1220354 (VCV001220354.10), dbSNP rs201850855, ClinGen allele CA2675000.

ClinVar aggregate classification (germline): Uncertain significance. Review status: criteria provided, multiple submitters, no conflicts (2 of 4 stars). 5 submissions from 5 submitters: Uncertain significance (5). Last evaluated 2025-10-29.

Conditions:
MME-related disorder. Also called: MME-related condition.

gnomAD v4.1: 293 of 1,614,042 alleles (0.018%); highest among the groups gnomAD compares: Non-Finnish European, 0.023%; no homozygotes.

Submissions (5):

GeneDx
Classification: Uncertain significance. Last evaluated: 2025-10-29. Review status: criteria provided, single submitter. Criteria: GeneDx Variant Classification Process June 2021. Collection method: clinical testing. Allele origin: germline. Affected: yes.
Comment: Observed in individuals with unexplained neuropathy or limb-girdle weakness in the published literature (PMID: 33144514, 32528171); In silico analysis supports that this missense variant has a deleterious effect on protein structure/function; This variant is associated with the following publications: (PMID: 32528171, 33144514)

PreventionGenetics, part of Exact Sciences
Classification: Uncertain significance for MME-related condition. Last evaluated: 2025-05-22. Review status: criteria provided, single submitter. Criteria: ACMG Guidelines, 2015. Collection method: clinical testing. Allele origin: germline.
Comment: The MME c.68G>A variant is predicted to result in the amino acid substitution p.Arg23Gln. This variant was reported in a limb-girdle weakness cohort (Supplementary Table 4, Töpf et al. 2020. PubMed ID: 32528171) and a late-onset axonal neuropathy cohort (Senderek et al. 2020. PubMed ID: 33144514). This variant is reported in 0.026% of alleles in individuals of European (Non-Finnish) descent in gnomAD. At this time, the clinical significance of this variant is uncertain due to the absence of conclusive functional and genetic evidence.

Blueprint Genetics
Classification: Uncertain significance. Last evaluated: 2024-10-31. Review status: criteria provided, single submitter. Criteria: ACMG Guidelines, 2015. Collection method: clinical testing. Allele origin: germline.

Mayo Clinic Laboratories, Mayo Clinic
Classification: Uncertain significance. Last evaluated: 2024-05-28. Review status: criteria provided, single submitter. Criteria: ACMG Guidelines, 2015. Collection method: clinical testing. Allele origin: germline. Observed: 1 variant allele.

Labcorp Genetics (formerly Invitae), Labcorp
Classification: Uncertain significance. Last evaluated: 2022-07-22. Review status: criteria provided, single submitter. Criteria: Invitae Variant Classification Sherloc (09022015). Collection method: clinical testing. Allele origin: germline.
Comment: This sequence change replaces arginine, which is basic and polar, with glutamine, which is neutral and polar, at codon 23 of the MME protein (p.Arg23Gln). This variant is present in population databases (rs201850855, gnomAD 0.03%). This missense change has been observed in individual(s) with clinical features of MME-related conditions (PMID: 32528171, 33144514). ClinVar contains an entry for this variant (Variation ID: 1220354). Algorithms developed to predict the effect of missense changes on protein structure and function are either unavailable or do not agree on the potential impact of this missense change (SIFT: "Tolerated"; PolyPhen-2: "Possibly Damaging"; Align-GVGD: "Class C0"). In summary, the available evidence is currently insufficient to determine the role of this variant in disease. Therefore, it has been classified as a Variant of Uncertain Significance.

Literature cited by the submitters: PubMed 32528171 (cited by Mayo Clinic Laboratories, Mayo Clinic and Labcorp Genetics (formerly Invitae), Labcorp); PubMed 33144514 (cited by Mayo Clinic Laboratories, Mayo Clinic and Labcorp Genetics (formerly Invitae), Labcorp).